The following is an entry in ClinVar:

ClinVar aggregate classification (germline): Uncertain significance (1 of 4 stars; one submission).

Submission:

Labcorp Genetics (formerly Invitae), Labcorp
Classification: Uncertain significance. Last evaluated: 2022-01-11. Review status: criteria provided, single submitter. Criteria: Invitae Variant Classification Sherloc (09022015). Collection method: clinical testing. Allele origin: germline.
Comment: In summary, the available evidence is currently insufficient to determine the role of this variant in disease. Therefore, it has been classified as a Variant of Uncertain Significance. Algorithms developed to predict the effect of missense changes on protein structure and function output the following: SIFT: "Tolerated"; PolyPhen-2: "Benign"; Align-GVGD: "Class C0". The glutamic acid amino acid residue is found in multiple mammalian species, which suggests that this missense change does not adversely affect protein function. This variant has not been reported in the literature in individuals affected with PDHX-related conditions. This variant is not present in population databases (gnomAD no frequency). This sequence change replaces glycine, which is neutral and non-polar, with glutamic acid, which is acidic and polar, at codon 27 of the PDHX protein (p.Gly27Glu).

NM_003477.3(PDHX):c.80G>A (p.Gly27Glu)

Genes: PDHX (pyruvate dehydrogenase complex component X; plus strand), LOC130005549 (ATAC-STARR-seq lymphoblastoid active region 4608; plus strand). Cytogenetic location: 11p13.
Variant type: single nucleotide variant.
Coding change: c.80G>A on transcript NM_003477.3 (MANE Select); coding-DNA position 80, G replaced by A.
Protein change: p.Gly27Glu; replaces glycine 27 with glutamic acid.
Molecular consequence: missense variant. On other transcripts: intron variant (1).
Genome position (GRCh38, 1-based): chr11:34,916,735, G>A. VCF-style: chr11-34916735-G-A. GRCh37 (hg19) VCF-style: chr11-34938282-G-A.
Other names: c.80G>A, p.Gly27Glu (NM_001166158.2); c.-21+249G>A (NM_001135024.2); short protein forms G27E.
Identifiers: ClinVar variation 2079115 (VCV002079115.4), dbSNP rs1853723834, ClinGen allele CA380123886.